The following is an entry in ClinVar:

NM_206933.4(USH2A):c.2802T>A (p.Cys934Ter)

Genes: USH2A (usherin; minus strand), LOC122152296 (Sharpr-MPRA regulatory region 8762; plus strand). Cytogenetic location: 1q41.
Variant type: single nucleotide variant.
Coding change: c.2802T>A on transcript NM_206933.4 (MANE Select); coding-DNA position 2802, T replaced by A.
Protein change: p.Cys934Ter; replaces cysteine 934 with a stop codon.
Molecular consequence: nonsense.
Genome position (GRCh38, 1-based): chr1:216,246,592, A>T on the plus strand (T>A on the coding strand, the complement: USH2A is on the minus strand). VCF-style: chr1-216246592-A-T. GRCh37 (hg19) VCF-style: chr1-216419934-A-T.
Other names: c.2802T>A, p.Cys934Ter (NM_007123.6); short protein forms C934*.
Identifiers: ClinVar variation 1071079 (VCV001071079.8), dbSNP rs201527662, ClinGen allele CA344864006.

ClinVar aggregate classification (germline): Pathogenic (1 of 4 stars; one submission).

gnomAD v4.1: 1 of 1,614,032 alleles (0.000062%); highest among the groups gnomAD compares: Non-Finnish European, 0.000085%; no homozygotes.

Submission:

Labcorp Genetics (formerly Invitae), Labcorp
Classification: Pathogenic. Last evaluated: 2020-01-03. Review status: criteria provided, single submitter. Criteria: Invitae Variant Classification Sherloc (09022015). Collection method: clinical testing. Allele origin: germline.
Comment: This sequence change creates a premature translational stop signal (p.Cys934*) in the USH2A gene. It is expected to result in an absent or disrupted protein product. This variant is not present in population databases (ExAC no frequency). This variant has not been reported in the literature in individuals with USH2A-related conditions. For these reasons, this variant has been classified as Pathogenic. Loss-of-function variants in USH2A are known to be pathogenic (PMID: 10729113, 10909849, 20507924, 25649381).

Literature cited by the submitters: PubMed 10729113; PubMed 10909849; PubMed 20507924; PubMed 25649381.